The following is an entry in ClinVar:

ClinVar aggregate classification (germline): Likely benign (1 of 4 stars; one submission).

Allele frequency attached by ClinVar (database versions not stated): ExAC 0.00006; gnomAD 0.00007; gnomAD exomes 0.00008; TOPMed 0.00008; 1000 Genomes Project 30x 0.00016; 1000 Genomes Project 0.00020.
gnomAD v4.1: 137 of 1,614,196 alleles (0.0085%); highest among the groups gnomAD compares: South Asian, 0.019%; no homozygotes.

Submission:

CeGaT Center for Human Genetics Tuebingen
Classification: Likely benign. Last evaluated: 2022-07-01. Review status: criteria provided, single submitter. Criteria: CeGaT Center For Human Genetics Tuebingen Variant Classification Criteria Version 2. Collection method: clinical testing. Allele origin: germline. Affected: yes. Observed: 1 variant allele.
Comment: WDR37: BP4, BP7

NM_014023.4(WDR37):c.1176C>T (p.Val392=)

Gene: WDR37 (WD repeat domain 37; plus strand). Cytogenetic location: 10p15.3.
Variant type: single nucleotide variant.
Coding change: c.1176C>T on transcript NM_014023.4 (MANE Select); coding-DNA position 1176, C replaced by T.
Protein change: p.Val392=; no amino-acid change (valine 392 retained).
Molecular consequence: synonymous variant.
Genome position (GRCh38, 1-based): chr10:1,124,290, C>T. VCF-style: chr10-1124290-C-T. GRCh37 (hg19) VCF-style: chr10-1170230-C-T.
Identifiers: ClinVar variation 2640277 (VCV002640277.24), dbSNP rs575211379, ClinGen allele CA5384263.